The following is an entry in ClinVar:

NM_000135.4(FANCA):c.572T>G (p.Val191Gly)

Gene: FANCA (FA complementation group A; minus strand). Cytogenetic location: 16q24.3.
Variant type: single nucleotide variant.
Coding change: c.572T>G on transcript NM_000135.4 (MANE Select); coding-DNA position 572, T replaced by G.
Protein change: p.Val191Gly; replaces valine 191 with glycine.
Molecular consequence: missense variant.
Genome position (GRCh38, 1-based): chr16:89,808,318, A>C on the plus strand (T>G on the coding strand, the complement: FANCA is on the minus strand). VCF-style: chr16-89808318-A-C. GRCh37 (hg19) VCF-style: chr16-89874726-A-C.
Other names: c.572T>G, p.Val191Gly (NM_001018112.3, NM_001286167.3); c.476T>G, p.Val159Gly (NM_001351830.2); short protein forms V159G, V191G.
Identifiers: ClinVar variation 3512643 (VCV003512643.1).

ClinVar aggregate classification (germline): Uncertain significance (1 of 4 stars; one submission).

Conditions:
Inborn genetic diseases. Identifiers: MedGen C0950123, MeSH D030342.

gnomAD v4.1: 5 of 1,614,178 alleles (0.00031%); highest among the groups gnomAD compares: Non-Finnish European, 0.00042%; no homozygotes.

Submission:

Ambry Genetics
Classification: Uncertain significance for Inborn genetic diseases. Last evaluated: 2024-11-21. Review status: criteria provided, single submitter. Criteria: Ambry Variant Classification Scheme 2023. Collection method: clinical testing. Allele origin: germline.
Comment: The p.V191G variant (also known as c.572T>G), located in coding exon 6 of the FANCA gene, results from a T to G substitution at nucleotide position 572. The valine at codon 191 is replaced by glycine, an amino acid with dissimilar properties. This amino acid position is conserved. In addition, the in silico prediction for this alteration is inconclusive. Based on the available evidence, the clinical significance of this variant remains unclear.